The following is an entry in ClinVar:

NM_000166.6(GJB1):c.835C>T (p.Arg279Cys)

Gene: GJB1 (gap junction protein beta 1; plus strand). Cytogenetic location: Xq13.1.
Variant type: single nucleotide variant.
Coding change: c.835C>T on transcript NM_000166.6 (MANE Select); coding-DNA position 835, C replaced by T.
Protein change: p.Arg279Cys; replaces arginine 279 with cysteine.
Molecular consequence: missense variant.
Genome position (GRCh38, 1-based): chrX:71,224,542, C>T. VCF-style: chrX-71224542-C-T. GRCh37 (hg19) VCF-style: chrX-70444392-C-T.
Other names: c.835C>T, p.Arg279Cys (NM_001097642.3); short protein forms R279C.
Identifiers: ClinVar variation 1763074 (VCV001763074.3), dbSNP rs374321066, ClinGen allele CA330997860.

ClinVar aggregate classification (germline): Uncertain significance. Review status: criteria provided, multiple submitters, no conflicts (2 of 4 stars). 2 submissions from 2 submitters: Uncertain significance (2). Last evaluated 2025-12-15.

Conditions:
Inborn genetic diseases. Identifiers: MedGen C0950123, MeSH D030342.
Charcot-Marie-Tooth Neuropathy X. Identifiers: MedGen CN118851.

Allele frequency attached by ClinVar (database versions not stated): TOPMed 0.00002; ESP Exome Variant Server 0.00010.
gnomAD v4.1: 6 of 1,187,586 alleles (0.00051%); highest among the groups gnomAD compares: Admixed American, 0.0023%; no homozygotes.

Submissions (2):

Labcorp Genetics (formerly Invitae), Labcorp
Classification: Uncertain significance for Charcot-Marie-Tooth Neuropathy X. Last evaluated: 2025-12-15. Review status: criteria provided, single submitter. Criteria: Invitae Variant Classification Sherloc (09022015). Collection method: clinical testing. Allele origin: germline.
Comment: This sequence change replaces arginine, which is basic and polar, with cysteine, which is neutral and slightly polar, at codon 279 of the GJB1 protein (p.Arg279Cys). This variant is not present in population databases (gnomAD no frequency). This variant has not been reported in the literature in individuals affected with GJB1-related conditions. ClinVar contains an entry for this variant (Variation ID: 1763074). Invitae Evidence Modeling of protein sequence and biophysical properties (such as structural, functional, and spatial information, amino acid conservation, physicochemical variation, residue mobility, and thermodynamic stability) has been performed for this missense variant. However, the output from this modeling did not meet the statistical confidence thresholds required to predict the impact of this variant on GJB1 protein function. In summary, the available evidence is currently insufficient to determine the role of this variant in disease. Therefore, it has been classified as a Variant of Uncertain Significance.

Ambry Genetics
Classification: Uncertain significance for Inborn genetic diseases. Last evaluated: 2021-03-15. Review status: criteria provided, single submitter. Criteria: Ambry Variant Classification Scheme 2023. Collection method: clinical testing. Allele origin: germline.
Comment: The p.R279C variant (also known as c.835C>T), located in coding exon 1 of the GJB1 gene, results from a C to T substitution at nucleotide position 835. The arginine at codon 279 is replaced by cysteine, an amino acid with highly dissimilar properties. This amino acid position is well conserved in available vertebrate species. In addition, the in silico prediction for this alteration is inconclusive. Since supporting evidence is limited at this time, the clinical significance of this alteration remains unclear.